The following is an entry in ClinVar:

NM_004722.4(AP4M1):c.532C>T (p.Arg178Cys)

Gene: AP4M1 (adaptor related protein complex 4 subunit mu 1; plus strand). Cytogenetic location: 7q22.1.
Variant type: single nucleotide variant.
Coding change: c.532C>T on transcript NM_004722.4 (MANE Select); coding-DNA position 532, C replaced by T.
Protein change: p.Arg178Cys; replaces arginine 178 with cysteine.
Molecular consequence: missense variant. On other transcripts: non-coding transcript variant (1).
Genome position (GRCh38, 1-based): chr7:100,103,681, C>T. VCF-style: chr7-100103681-C-T. GRCh37 (hg19) VCF-style: chr7-99701304-C-T.
Other names: c.553C>T, p.Arg185Cys (NM_001363671.2, NM_001438824.1, NM_001438827.1); c.532C>T, p.Arg178Cys (NM_001438825.1, NM_001438826.1, NM_001438828.1); c.328C>T, p.Arg110Cys (NM_001438829.1, NM_001438830.1); c.148C>T, p.Arg50Cys (NM_001438831.1, NM_001438832.1); short protein forms R110C, R178C, R185C, R50C.
Identifiers: ClinVar variation 4808230 (VCV004808230.1).

ClinVar aggregate classification (germline): Uncertain significance (1 of 4 stars; one submission).

Conditions:
Hereditary spastic paraplegia 50 (SPG50). Also called: Spastic paraplegia 50, autosomal recessive. Identifiers: Orphanet 280763, MedGen C2752008, MONDO:0013048, OMIM 612936.

gnomAD v4.1: 28 of 1,612,368 alleles (0.0017%); highest among the groups gnomAD compares: East Asian, 0.0022%; no homozygotes.

Submission:

Labcorp Genetics (formerly Invitae), Labcorp
Classification: Uncertain significance for Hereditary spastic paraplegia 50. Last evaluated: 2025-12-18. Review status: criteria provided, single submitter. Criteria: Invitae Variant Classification Sherloc (09022015). Collection method: clinical testing. Allele origin: germline.
Comment: This sequence change replaces arginine, which is basic and polar, with cysteine, which is neutral and slightly polar, at codon 178 of the AP4M1 protein (p.Arg178Cys). This variant is present in population databases (no rsID available, gnomAD 0.005%). This variant has not been reported in the literature in individuals affected with AP4M1-related conditions. Invitae Evidence Modeling of protein sequence and biophysical properties (such as structural, functional, and spatial information, amino acid conservation, physicochemical variation, residue mobility, and thermodynamic stability) has been performed for this missense variant. However, the output from this modeling did not meet the statistical confidence thresholds required to predict the impact of this variant on AP4M1 protein function. In summary, the available evidence is currently insufficient to determine the role of this variant in disease. Therefore, it has been classified as a Variant of Uncertain Significance.